The following is an entry in ClinVar:

ClinVar aggregate classification (germline): Likely pathogenic (0 of 4 stars; one submission).

Conditions:
Finnish congenital nephrotic syndrome (NPHS1). Also called: NEPHROTIC SYNDROME, TYPE 1. Identifiers: Orphanet 839, MedGen C0403399, MONDO:0009732, OMIM 256300.

Submission:

Juha Muilu Group; Institute for Molecular Medicine Finland (FIMM)
Classification: Likely pathogenic for Finnish congenital nephrotic syndrome. Review status: no assertion criteria provided. Collection method: not provided. Allele origin: unknown.
Comment: FinDis database variant: This variant was not found or characterized by our laboratory, data were collected from public sources: see reference
ClinVar note: Converted during submission from probable-pathogenic to Likely pathogenic.

NM_004646.4(NPHS1):c.3720_*9del (p.Val1241fs)

Gene: NPHS1 (NPHS1 adhesion molecule, nephrin; minus strand). Cytogenetic location: 19q13.12.
Variant type: Deletion.
Coding change: c.3720_*9del on transcript NM_004646.4 (MANE Select); coding-DNA position 3720 through 9 bases downstream of the stop codon, 16 bases deleted (GGTGTAAGAGCCCTCT).
Protein change: p.Val1241fs; shifts the reading frame from valine 1241.
Molecular consequence: frameshift variant.
Genome position (GRCh38, 1-based): chr19:35,826,505-35,826,520, AGAGGGCTCTTACACC deleted on the plus strand (GGTGTAAGAGCCCTCT on the coding strand, the reverse complement: NPHS1 is on the minus strand); deleting any 16 consecutive bases within chr19:35,826,505-35,826,523 gives the same sequence; the c. name uses the placement nearest the transcript's 3' end. VCF-style (leftmost placement, unchanged base first): chr19-35826504-GAGAGGGCTCTTACACC-G. GRCh37 (hg19) VCF-style: chr19-36317406-GAGAGGGCTCTTACACC-G.
Other names: c.3720_*9delGGTGTAAGAGCCCTCT (NM_004646.3); short protein forms V1241fs.
Identifiers: ClinVar variation 56503 (VCV000056503.2), dbSNP rs386833941, ClinGen allele CA250235.
Genomic context (GRCh38, chr19:35,826,504, plus strand): 5'-AGGCTGTAATGAGAGAGACCAGTGGAGTGTAAATTCCTGCAGGTGCAGGACAATGGGGTT[GAGAGGGCTCTTACACC>G]AGATGTCCCCTCAGCTCGAAGGGCAGAGAATCGGGTTCCAGAGTGTCCAAGTCTCCGGCC-3'